The following is an entry in ClinVar:

ClinVar aggregate classification (germline): Uncertain significance (1 of 4 stars; one submission).

Conditions:
Hereditary cancer-predisposing syndrome. Also called: Tumor predisposition; Hereditary Cancer Syndrome; Hereditary neoplastic syndrome; Neoplastic Syndromes, Hereditary. Identifiers: Orphanet 140162, MedGen C0027672, MeSH D009386, MONDO:0015356.

Submission:

Ambry Genetics
Classification: Uncertain significance for Hereditary cancer-predisposing syndrome. Last evaluated: 2024-04-29. Review status: criteria provided, single submitter. Criteria: Ambry Variant Classification Scheme 2023. Collection method: clinical testing. Allele origin: germline.
Comment: The p.R847K variant (also known as c.2540G>A), located in coding exon 15 of the ALK gene, results from a G to A substitution at nucleotide position 2540. The arginine at codon 847 is replaced by lysine, an amino acid with highly similar properties. This amino acid position is conserved. In addition, this alteration is predicted to be tolerated by in silico analysis. Based on the available evidence, the clinical significance of this variant remains unclear.

NM_004304.5(ALK):c.2540G>A (p.Arg847Lys)

Gene: ALK (ALK receptor tyrosine kinase; minus strand). Cytogenetic location: 2p23.2.
Variant type: single nucleotide variant.
Coding change: c.2540G>A on transcript NM_004304.5 (MANE Select); coding-DNA position 2540, G replaced by A.
Protein change: p.Arg847Lys; replaces arginine 847 with lysine.
Molecular consequence: missense variant.
Genome position (GRCh38, 1-based): chr2:29,232,396, C>T on the plus strand (G>A on the coding strand, the complement: ALK is on the minus strand). VCF-style: chr2-29232396-C-T. GRCh37 (hg19) VCF-style: chr2-29455262-C-T.
Other names: short protein forms R847K.
Identifiers: ClinVar variation 3286067 (VCV003286067.1).
Genomic context (GRCh38, chr2:29,232,396, plus strand): 5'-ACCGAGGAGTTATTCTCCAGTCTCTCTGGGTGGAACGTGTCTGTCTTGGCCCCGTAGGCC[C>T]TGCCACCACCTCCGGCTGCAATGATCAGGGGCACCGGCACTCCATCCTTCATCTGACCAG-3'
Protein context (NP_004295.2, residues 837-857): PLIIAAGGGG[Arg847Lys]AYGAKTDTFH